The following is an entry in ClinVar:

ClinVar aggregate classification (germline): Uncertain significance. Review status: criteria provided, multiple submitters, no conflicts (2 of 4 stars). 3 submissions from 3 submitters: Uncertain significance (3). Last evaluated 2025-11-25.

Conditions:
VCL-related disorder. Also called: VCL-related condition.
Cardiovascular phenotype. Identifiers: MedGen CN230736.
Dilated cardiomyopathy 1W (CMD1W). Identifiers: Orphanet 154, MedGen C1969639, MONDO:0012667, OMIM 611407.

Allele frequency attached by ClinVar (database versions not stated): gnomAD exomes below 0.00001; gnomAD 0.00001 and 0.00002; TOPMed 0.00001.
gnomAD v4.1: 10 of 1,614,028 alleles (0.00062%); highest among the groups gnomAD compares: East Asian, 0.0067%; no homozygotes.

Submissions (3):

PreventionGenetics, part of Exact Sciences
Classification: Uncertain significance for VCL-related condition. Last evaluated: 2025-11-25. Review status: criteria provided, single submitter. Criteria: ACMG Guidelines, 2015. Collection method: clinical testing. Allele origin: germline.
Comment: The VCL c.1582C>T variant is predicted to result in the amino acid substitution p.Arg528Cys. To our knowledge, this variant has not been reported in the literature. This variant is reported in 0.0062% of alleles in individuals of African descent in gnomAD. At this time, the clinical significance of this variant is uncertain due to the absence of conclusive functional and genetic evidence.

Labcorp Genetics (formerly Invitae), Labcorp
Classification: Uncertain significance for Dilated cardiomyopathy 1W. Last evaluated: 2024-09-14. Review status: criteria provided, single submitter. Criteria: Invitae Variant Classification Sherloc (09022015). Collection method: clinical testing. Allele origin: germline.
Comment: This sequence change replaces arginine, which is basic and polar, with cysteine, which is neutral and slightly polar, at codon 528 of the VCL protein (p.Arg528Cys). This variant is present in population databases (no rsID available, gnomAD 0.007%). This variant has not been reported in the literature in individuals affected with VCL-related conditions. ClinVar contains an entry for this variant (Variation ID: 536713). An algorithm developed to predict the effect of missense changes on protein structure and function (PolyPhen-2) suggests that this variant is likely to be disruptive. In summary, the available evidence is currently insufficient to determine the role of this variant in disease. Therefore, it has been classified as a Variant of Uncertain Significance.

Ambry Genetics
Classification: Uncertain significance for Cardiovascular phenotype. Last evaluated: 2021-08-12. Review status: criteria provided, single submitter. Criteria: Ambry Variant Classification Scheme 2023. Collection method: clinical testing. Allele origin: germline.

NM_014000.3(VCL):c.1582C>T (p.Arg528Cys)

Gene: VCL (vinculin; plus strand). Cytogenetic location: 10q22.2.
Variant type: single nucleotide variant.
Coding change: c.1582C>T on transcript NM_014000.3 (MANE Select); coding-DNA position 1582, C replaced by T.
Protein change: p.Arg528Cys; replaces arginine 528 with cysteine.
Molecular consequence: missense variant.
Genome position (GRCh38, 1-based): chr10:74,095,694, C>T. VCF-style: chr10-74095694-C-T. GRCh37 (hg19) VCF-style: chr10-75855452-C-T.
Other names: c.1582C>T, p.Arg528Cys (NM_003373.4); short protein forms R528C.
Identifiers: ClinVar variation 536713 (VCV000536713.10), dbSNP rs923960592, ClinGen allele CA209703473.